The following is an entry in ClinVar:

NM_000719.7(CACNA1C):c.1609A>G (p.Asn537Asp)

Gene: CACNA1C (calcium voltage-gated channel subunit alpha1 C; plus strand). Cytogenetic location: 12p13.33.
Variant type: single nucleotide variant.
Coding change: c.1609A>G on transcript NM_000719.7 (MANE Select); coding-DNA position 1609, A replaced by G.
Protein change: p.Asn537Asp; replaces asparagine 537 with aspartic acid.
Molecular consequence: missense variant.
Genome position (GRCh38, 1-based): chr12:2,566,522, A>G. VCF-style: chr12-2566522-A-G. GRCh37 (hg19) VCF-style: chr12-2675688-A-G.
Other names: c.1609A>G, p.Asn537Asp (NM_001129827.2, NM_001129829.2, NM_001129830.3 and 18 more transcripts); c.1600A>G, p.Asn534Asp (NM_001129844.2); short protein forms N537D, N534D.
Identifiers: ClinVar variation 521136 (VCV000521136.6), dbSNP rs1467561684, ClinGen allele CA383368599.

ClinVar aggregate classification (germline): Likely pathogenic. Review status: criteria provided, multiple submitters, no conflicts (2 of 4 stars). 2 submissions from 2 submitters: Likely pathogenic (2). Last evaluated 2023-07-25.

Conditions:
Cardiovascular phenotype. Identifiers: MedGen CN230736.
Timothy syndrome (TS). Also called: LONG QT SYNDROME WITH SYNDACTYLY. Identifiers: Orphanet 65283, MedGen C1832916, MeSH C536962, MONDO:0010979, OMIM 601005.

Submissions (2):

Ambry Genetics
Classification: Likely pathogenic for Cardiovascular phenotype. Last evaluated: 2023-07-25. Review status: criteria provided, single submitter. Criteria: Ambry Variant Classification Scheme 2023. Collection method: clinical testing. Allele origin: germline.
Comment: The c.1609A>G (p.N537D) alteration is located in exon 12 (coding exon 12) of the CACNA1C gene. This alteration results from an A to G substitution at nucleotide position 1609, causing the asparagine (N) at amino acid position 537 to be replaced by an aspartic acid (D)._x000D_ _x000D_ Based on the available evidence, the CACNA1C c.1609A>G (p.N537D) alteration is classified as likely pathogenic for CACNA1C-related neurodevelopmental disorder; however, its clinical significance for Timothy syndrome and CACNA1C-related long QT syndrome is uncertain. This variant was not reported in population-based cohorts in the Genome Aggregation Database (gnomAD). This amino acid position is highly conserved in available vertebrate species. This missense alteration is located in a region that has a low rate of benign missense variation (Lek, 2016; Firth, 2009). The L-type Cav1.2 channel (encoded by CACNA1C) consists of four homologous domains, each containing six transmembrane segments S1-S6. Segments S1-S4 form the voltage-sensing domain. The p.N537 amino acid is located in transmembrane segment S1 of domain II. Structural modeling performed in house at Ambry Genetics suggests that the p.N537 amino acid is essential for Cav1.2 function as a voltage-dependent calcium channel. The p.N537D alteration may affect the gating of the Cav1.2 channel and transform the channel into a proton channel (Ramsey, 2010; Musset, 2011). The in silico prediction for this alteration is inconclusive. Based on the available evidence, this alteration is classified as likely pathogenic.

3billion
Classification: Likely pathogenic for Timothy syndrome. Last evaluated: 2023-02-23. Review status: criteria provided, single submitter. Criteria: ACMG Guidelines, 2015. Collection method: clinical testing. Allele origin: unknown. Affected: yes.
Comment: The variant is not observed in the gnomAD v2.1.1 dataset. Missense changes are a common disease-causing mechanism. The variant has been reported as assumed (i.e. paternity and maternity not confirmed) de novo by an outside laboratory. In silico tool predictions suggest damaging effect of the variant on gene or gene product (REVEL: 0.82). Same nucleotide change resulting in same amino acid change has been previously reported to be associated with CACNA1C related disorder (ClinVar ID: VCV000521136). Therefore, this variant is classified as Likely pathogenic according to the recommendation of ACMG/AMP guideline.

Literature cited by the submitters: PubMed 10343407 (cited by Ambry Genetics); PubMed 20543828 (cited by Ambry Genetics); PubMed 22020278 (cited by Ambry Genetics).